The following is an entry in ClinVar:

ClinVar aggregate classification (germline): Likely pathogenic (1 of 4 stars; one submission).

Conditions:
Isolated microphthalmia 2. Identifiers: Orphanet 2542, MedGen C1864720, MONDO:0012409, OMIM 610093.

Submission:

Labcorp Genetics (formerly Invitae), Labcorp
Classification: Likely pathogenic for Isolated microphthalmia 2. Last evaluated: 2024-02-07. Review status: criteria provided, single submitter. Criteria: Invitae Variant Classification Sherloc (09022015). Collection method: clinical testing. Allele origin: germline.
Comment: This sequence change affects an acceptor splice site in intron 3 of the VSX2 gene. It is expected to disrupt RNA splicing. Variants that disrupt the donor or acceptor splice site typically lead to a loss of protein function (PMID: 16199547), and loss-of-function variants in VSX2 are known to be pathogenic (PMID: 20414678). This variant is not present in population databases (gnomAD no frequency). This variant has not been reported in the literature in individuals affected with VSX2-related conditions. Algorithms developed to predict the effect of sequence changes on RNA splicing suggest that this variant may disrupt the consensus splice site. In summary, the currently available evidence indicates that the variant is pathogenic, but additional data are needed to prove that conclusively. Therefore, this variant has been classified as Likely Pathogenic.

Literature cited by the submitters: PubMed 16199547; PubMed 20414678.

NM_182894.3(VSX2):c.580-1G>C

Gene: VSX2 (visual system homeobox 2; plus strand). Cytogenetic location: 14q24.3.
Variant type: single nucleotide variant.
Coding change: c.580-1G>C on transcript NM_182894.3 (MANE Select); the canonical splice acceptor site of the intron before coding-DNA position 580, G replaced by C.
Molecular consequence: splice acceptor variant.
Genome position (GRCh38, 1-based): chr14:74,259,601, G>C. VCF-style: chr14-74259601-G-C. GRCh37 (hg19) VCF-style: chr14-74726304-G-C.
Identifiers: ClinVar variation 3692988 (VCV003692988.2).